The following is an entry in ClinVar:

NM_022132.5(MCCC2):c.1120G>A (p.Gly374Arg)

Gene: MCCC2 (methylcrotonyl-CoA carboxylase subunit 2; plus strand). Cytogenetic location: 5q13.2.
Variant type: single nucleotide variant.
Coding change: c.1120G>A on transcript NM_022132.5 (MANE Select); coding-DNA position 1120, G replaced by A.
Protein change: p.Gly374Arg; replaces glycine 374 with arginine.
Molecular consequence: missense variant.
Genome position (GRCh38, 1-based): chr5:71,643,866, G>A. VCF-style: chr5-71643866-G-A. GRCh37 (hg19) VCF-style: chr5-70939693-G-A.
Other names: c.1006G>A, p.Gly336Arg (NM_001363147.1); short protein forms G336R, G374R.
Identifiers: ClinVar variation 991033 (VCV000991033.8), dbSNP rs753784414, ClinGen allele CA3298031.
Genomic context (GRCh38, chr5:71,643,866, plus strand): 5'-ACTTTCTTTTGAGGATTTGCTCGAATATTTGGGTACCCAGTAGGTATCGTTGGAAACAAC[G>A]GAGTTCTCTTTTCTGAATCTGCAAAAAAGGCAAGTACTGTTAAAAATATTTCAAGATTTT-3'
Protein context (NP_071415.1, residues 364-384): GYPVGIVGNN[Gly374Arg]VLFSESAKKG

ClinVar aggregate classification (germline): Uncertain significance. Review status: criteria provided, multiple submitters, no conflicts (2 of 4 stars). 3 submissions from 3 submitters: Uncertain significance (2). 1 of the submissions does not count toward it. Last evaluated 2024-05-17.

Conditions:
3-methylcrotonyl-CoA carboxylase 2 deficiency. Also called: METHYLCROTONYLGLYCINURIA, TYPE II; 3 alpha methylcrotonyl-CoA carboxylase 2 deficiency; 3 alpha methylcrotonylglycinuria 2; MCC 2 deficiency; Methylcrotonylglycinuria type 2. Identifiers: Orphanet 6, MedGen C1859499, MONDO:0008862, OMIM 210210.
Methylcrotonyl-CoA carboxylase deficiency. Also called: 3-MCC Deficiency; 3 Methylcrotonylglycinuria; Deficiency of methylcrotonoyl-CoA carboxylase. Identifiers: Orphanet 6, MedGen C4551505, MONDO:0018950.

Allele frequency attached by ClinVar (database versions not stated): ExAC 0.00002; gnomAD exomes 0.00003 and 0.00007; gnomAD 0.00004; TOPMed 0.00004.
gnomAD v4.1: 106 of 1,613,940 alleles (0.0066%); highest among the groups gnomAD compares: Non-Finnish European, 0.0087%; no homozygotes.

Submissions (3):

Blueprint Genetics
Classification: Uncertain significance. Last evaluated: 2024-05-17. Review status: criteria provided, single submitter. Criteria: ACMG Guidelines, 2015. Collection method: clinical testing. Allele origin: germline.

Labcorp Genetics (formerly Invitae), Labcorp
Classification: Uncertain significance for 3-methylcrotonyl-CoA carboxylase 2 deficiency. Last evaluated: 2023-11-13. Review status: criteria provided, single submitter. Criteria: Invitae Variant Classification Sherloc (09022015). Collection method: clinical testing. Allele origin: germline.
Comment: This sequence change replaces glycine, which is neutral and non-polar, with arginine, which is basic and polar, at codon 374 of the MCCC2 protein (p.Gly374Arg). This variant is present in population databases (rs753784414, gnomAD 0.006%). This variant has not been reported in the literature in individuals affected with MCCC2-related conditions. ClinVar contains an entry for this variant (Variation ID: 991033). Advanced modeling of protein sequence and biophysical properties (such as structural, functional, and spatial information, amino acid conservation, physicochemical variation, residue mobility, and thermodynamic stability) performed at Invitae indicates that this missense variant is expected to disrupt MCCC2 protein function with a positive predictive value of 80%. Algorithms developed to predict the effect of sequence changes on RNA splicing suggest that this variant may disrupt the consensus splice site. In summary, the available evidence is currently insufficient to determine the role of this variant in disease. Therefore, it has been classified as a Variant of Uncertain Significance.

Natera, Inc.
Classification: Uncertain significance for 3-methylcrotonylglycinuria. Last evaluated: 2020-08-19. Review status: no assertion criteria provided. Collection method: clinical testing. Allele origin: germline. Not counted in ClinVar's aggregate classification.